The following is an entry in ClinVar:

NM_017635.5(KMT5B):c.757A>T (p.Met253Leu)

Gene: KMT5B (lysine methyltransferase 5B; minus strand). Cytogenetic location: 11q13.2.
Variant type: single nucleotide variant.
Coding change: c.757A>T on transcript NM_017635.5 (MANE Select); coding-DNA position 757, A replaced by T.
Protein change: p.Met253Leu; replaces methionine 253 with leucine.
Molecular consequence: missense variant. On other transcripts: non-coding transcript variant (2).
Genome position (GRCh38, 1-based): chr11:68,171,606, T>A on the plus strand (A>T on the coding strand, the complement: KMT5B is on the minus strand). VCF-style: chr11-68171606-T-A. GRCh37 (hg19) VCF-style: chr11-67939073-T-A.
Other names: c.241A>T, p.Met81Leu (NM_001300907.1, NM_001369424.1, NM_001369428.1 and 5 more transcripts); c.37A>T, p.Met13Leu (NM_001300908.2); c.688A>T, p.Met230Leu (NM_001300909.2); c.757A>T, p.Met253Leu (NM_001363566.2, NM_001369426.1, NM_001369427.1 and 1 more transcripts); c.544A>T, p.Met182Leu (NM_001369425.1); short protein forms M13L, M182L, M230L, M253L, M81L.
Identifiers: ClinVar variation 3372417 (VCV003372417.1).
Genomic context (GRCh38, chr11:68,171,606, plus strand): 5'-GGTTTATAAACGCAGCAGGACCCAGCCAGAGTTGAGCACAGTTTTTCCTTGTGGAGTACA[T>A]GACACTGAAGTCGTTTTCTCCATGTCTAAGTAGCATGTTCTCCTCAATTTCTGAAAGTTC-3'
Protein context (NP_060105.3, residues 243-263): LRHGENDFSV[Met253Leu]YSTRKNCAQL

ClinVar aggregate classification (germline): Uncertain significance (1 of 4 stars; one submission).

Submission:

GeneDx
Classification: Uncertain significance. Last evaluated: 2024-04-15. Review status: criteria provided, single submitter. Criteria: GeneDx Variant Classification Process June 2021. Collection method: clinical testing. Allele origin: germline. Affected: yes.
Comment: Not observed at significant frequency in large population cohorts (gnomAD); In silico analysis supports that this missense variant has a deleterious effect on protein structure/function; Has not been previously published as pathogenic or benign to our knowledge